The following is an entry in ClinVar:

ClinVar aggregate classification (germline): Uncertain significance (1 of 4 stars; one submission).

gnomAD v4.1: 2 of 1,614,004 alleles (0.00012%); highest among the groups gnomAD compares: African/African-American, 0.0027%; no homozygotes.

Submission:

Labcorp Genetics (formerly Invitae), Labcorp
Classification: Uncertain significance. Last evaluated: 2024-09-25. Review status: criteria provided, single submitter. Criteria: Invitae Variant Classification Sherloc (09022015). Collection method: clinical testing. Allele origin: germline.
Comment: This sequence change falls in intron 4 of the NIN gene. It does not directly change the encoded amino acid sequence of the NIN protein. It affects a nucleotide within the consensus splice site. This variant is present in population databases (rs375297076, gnomAD no frequency). This variant has not been reported in the literature in individuals affected with NIN-related conditions. Variants that disrupt the consensus splice site are a relatively common cause of aberrant splicing (PMID: 17576681, 9536098). Algorithms developed to predict the effect of sequence changes on RNA splicing suggest that this variant is not likely to affect RNA splicing. In summary, the available evidence is currently insufficient to determine the role of this variant in disease. Therefore, it has been classified as a Variant of Uncertain Significance.

Literature cited by the submitters: PubMed 17576681; PubMed 9536098.

NM_020921.4(NIN):c.266-3C>T

Gene: NIN (ninein; minus strand). Cytogenetic location: 14q22.1.
Variant type: single nucleotide variant.
Coding change: c.266-3C>T on transcript NM_020921.4 (MANE Select); 3 bases into the intron before coding-DNA position 266, C replaced by T.
Molecular consequence: intron variant.
Genome position (GRCh38, 1-based): chr14:50,792,884, G>A on the plus strand (C>T on the coding strand, the complement: NIN is on the minus strand). VCF-style: chr14-50792884-G-A. GRCh37 (hg19) VCF-style: chr14-51259602-G-A.
Other names: c.266-3C>T (NM_016350.5, NM_182946.2, NM_182944.3).
Identifiers: ClinVar variation 3633309 (VCV003633309.2).